The following is an entry in ClinVar:

ClinVar aggregate classification (germline): Conflicting classifications of pathogenicity. Review status: criteria provided, conflicting classifications (1 of 4 stars). 4 submissions from 4 submitters: Uncertain significance (3); Likely benign (1). Last evaluated 2024-08-06.

Conditions:
Inborn genetic diseases. Identifiers: MedGen C0950123, MeSH D030342.

Allele frequency attached by ClinVar (database versions not stated): gnomAD 0.00005; TOPMed 0.00036.
gnomAD v4.1: 89 of 1,611,482 alleles (0.0055%); highest among the groups gnomAD compares: African/African-American, 0.0013%; 2 homozygotes.

Submissions (4):

GeneDx
Classification: Uncertain significance. Last evaluated: 2024-08-06. Review status: criteria provided, single submitter. Criteria: GeneDx Variant Classification Process June 2021. Collection method: clinical testing. Allele origin: germline. Affected: yes.
Comment: In silico analysis indicates that this missense variant does not alter protein structure/function; Has not been previously published as pathogenic or benign to our knowledge

Blueprint Genetics
Classification: Likely benign. Last evaluated: 2024-07-29. Review status: criteria provided, single submitter. Criteria: ACMG Guidelines, 2015. Collection method: clinical testing. Allele origin: germline.

Ambry Genetics
Classification: Uncertain significance for Inborn genetic diseases. Last evaluated: 2023-03-16. Review status: criteria provided, single submitter. Criteria: Ambry Variant Classification Scheme 2023. Collection method: clinical testing. Allele origin: germline.

Labcorp Genetics (formerly Invitae), Labcorp
Classification: Uncertain significance. Last evaluated: 2022-05-13. Review status: criteria provided, single submitter. Criteria: Invitae Variant Classification Sherloc (09022015). Collection method: clinical testing. Allele origin: germline.
Comment: This sequence change replaces leucine, which is neutral and non-polar, with valine, which is neutral and non-polar, at codon 2481 of the VPS13A protein (p.Leu2481Val). This variant is present in population databases (rs201081213, gnomAD 0.1%). This variant has not been reported in the literature in individuals affected with VPS13A-related conditions. Algorithms developed to predict the effect of missense changes on protein structure and function output the following: SIFT: "Tolerated"; PolyPhen-2: "Benign"; Align-GVGD: "Class C0". The valine amino acid residue is found in multiple mammalian species, which suggests that this missense change does not adversely affect protein function. In summary, the available evidence is currently insufficient to determine the role of this variant in disease. Therefore, it has been classified as a Variant of Uncertain Significance.

NM_033305.3(VPS13A):c.7441T>G (p.Leu2481Val)

Gene: VPS13A (vacuolar protein sorting 13 homolog A; plus strand). Cytogenetic location: 9q21.2.
Variant type: single nucleotide variant.
Coding change: c.7441T>G on transcript NM_033305.3 (MANE Select); coding-DNA position 7441, T replaced by G.
Protein change: p.Leu2481Val; replaces leucine 2481 with valine.
Molecular consequence: missense variant.
Genome position (GRCh38, 1-based): chr9:77,353,430, T>G. VCF-style: chr9-77353430-T-G. GRCh37 (hg19) VCF-style: chr9-79968346-T-G.
Other names: c.7441T>G (NM_033305.2); c.7324T>G, p.Leu2442Val (NM_001018037.2); c.7441T>G, p.Leu2481Val (NM_001018038.3, NM_015186.4); short protein forms L2442V, L2481V.
Identifiers: ClinVar variation 1967189 (VCV001967189.6), dbSNP rs201081213, ClinGen allele CA5093352.
Genomic context (GRCh38, chr9:77,353,430, plus strand): 5'-TTTTTTGGTTTTTTTTTTTTTTTGGTGGTTTTATTCTAGGATATGATGATGCCTATAGAT[T>G]TGGGGGAAAAGACAATATATTTAGTTTCATTCTTTGAAGGTTTACAACGCATTATTTTAT-3'
Protein context (NP_150648.2, residues 2471-2491): QKDDMMMPID[Leu2481Val]GEKTIYLVSF